The following is an entry in ClinVar:

ClinVar aggregate classification (germline): Uncertain significance (1 of 4 stars; one submission).

Submission:

Ambry Genetics
Classification: Uncertain significance. Last evaluated: 2026-08-08. Review status: criteria provided, single submitter. Criteria: Ambry Variant Classification Scheme 2023. Collection method: clinical testing. Allele origin: germline.
Comment: The p.K1743N variant (also known as c.5229G>T), located in coding exon 22 of the WNK2 gene, results from a G to T substitution at nucleotide position 5229. The lysine at codon 1743 is replaced by asparagine, an amino acid with similar properties. This amino acid position is conserved. In addition, this alteration is predicted to be tolerated by in silico analysis. Based on the available evidence, the clinical significance of this variant remains unclear.

NM_006648.4(WNK2):c.5229G>T (p.Lys1743Asn)

Gene: WNK2 (WNK lysine deficient protein kinase 2; plus strand). Cytogenetic location: 9q22.31.
Variant type: single nucleotide variant.
Coding change: c.5229G>T on transcript NM_006648.4 (MANE Select); coding-DNA position 5229, G replaced by T.
Protein change: p.Lys1743Asn; replaces lysine 1743 with asparagine.
Molecular consequence: missense variant.
Genome position (GRCh38, 1-based): chr9:93,292,694, G>T. VCF-style: chr9-93292694-G-T. GRCh37 (hg19) VCF-style: chr9-96054976-G-T.
Other names: c.5340G>T, p.Lys1780Asn (NM_001282394.3); short protein forms K1743N, K1780N.
Identifiers: ClinVar variation 5031912 (VCV005031912.1).